The following is an entry in ClinVar:

NM_000132.4(F8):c.6305G>A (p.Gly2102Asp)

Gene: F8 (coagulation factor VIII; minus strand). Cytogenetic location: Xq28.
Variant type: single nucleotide variant.
Coding change: c.6305G>A on transcript NM_000132.4 (MANE Select); coding-DNA position 6305, G replaced by A.
Protein change: p.Gly2102Asp; replaces glycine 2102 with aspartic acid.
Molecular consequence: missense variant.
Genome position (GRCh38, 1-based): chrX:154,896,201, C>T on the plus strand (G>A on the coding strand, the complement: F8 is on the minus strand). VCF-style: chrX-154896201-C-T. GRCh37 (hg19) VCF-style: chrX-154124476-C-T.
Other names: NM_000132.4(F8):c.6305G>A; short protein forms G2102D.
Identifiers: ClinVar variation 1163208 (VCV001163208.6), dbSNP rs2148583736, ClinGen allele CA414900171.

ClinVar aggregate classification (germline): Likely pathogenic. Review status: reviewed by expert panel (3 of 4 stars). 2 submissions from 2 submitters: Likely pathogenic (1). 1 of the submissions does not count toward it. Last evaluated 2026-04-10.

Conditions:
Hereditary factor VIII deficiency disease (HEMA). Also called: HEMOPHILIA, CLASSIC; AUTOSOMAL HEMOPHILIA A; Hemophilia A; Hemophilia A, congenital; HEM A; Factor 8 deficiency, congenital. Identifiers: Orphanet 98878, MedGen C0019069, MONDO:0010602, OMIM 306700.

Submissions (2):

ClinGen Coagulation Factor Deficiency Variant Curation Expert Panel, Clingen
Classification: Likely pathogenic for Hereditary factor VIII deficiency disease. Last evaluated: 2026-04-10. Review status: reviewed by expert panel. Criteria: ClinGen CoagFactor ACMG Specifications F8 V2.0.0. Collection method: curation. Allele origin: germline. Inheritance: X-linked inheritance.
Comment: The c.6305G>A variant in F8 is a missense variant predicted to cause substitution of aspartic acid for glycine at amino acid 2102. This variant is completely absent from gnomAD v4.1.1 meeting PM2_Supporting. The missense variant has a REVEL score of 0.877 (>0.6) meeting PP3. At least 3 probands from the literature and internal laboratory data meet F8 phenotype criteria for PS4_Moderate and PP4_Moderate (PMID: 23926300, 29296726 & 23913812). In summary, based on the evidence available at this time, this variant is classified as likely pathogenic for hemophilia A. ACMG/AMP criteria applied, as specified by the Coagulation Factor Deficiency Variant Curation Expert Panel v2.0.0: PP4_Moderate, PS4_Moderate, PP3, PM2_Supporting.

Mayo Clinic Laboratories, Mayo Clinic
Classification: Likely pathogenic. Last evaluated: 2020-02-05. Review status: criteria provided, single submitter. Criteria: ACMG Guidelines, 2015. Collection method: clinical testing. Allele origin: germline. Observed: 1 variant allele. Not counted in ClinVar's aggregate classification.
Comment: PS4_moderate, PM2, PP3, PP5

Literature cited by the submitters: PubMed 23913812 (cited by Mayo Clinic Laboratories, Mayo Clinic); PubMed 23926300 (cited by Mayo Clinic Laboratories, Mayo Clinic).